The following is an entry in ClinVar:

NM_015047.3(EMC1):c.2400_2401delinsCT (p.Arg801Trp)

Genes: EMC1 (ER membrane protein complex subunit 1; minus strand), EMC1-AS1 (EMC1 antisense RNA 1; plus strand). Cytogenetic location: 1p36.13.
Variant type: Indel.
Coding change: c.2400_2401delinsCT on transcript NM_015047.3 (MANE Select); coding-DNA positions 2400 to 2401, TC replaced by CT.
Protein change: p.Arg801Trp; replaces arginine 801 with tryptophan.
Molecular consequence: missense variant.
Genome position (GRCh38, 1-based): chr1:19,222,810-19,222,811, GA replaced by AG on the plus strand (TC replaced by CT on the coding strand, the reverse complement: EMC1 is on the minus strand). VCF-style: chr1-19222810-GA-AG. GRCh37 (hg19) VCF-style: chr1-19549304-GA-AG.
Other names: c.2397_2398delinsCT, p.Arg800Trp (NM_001271427.2, NM_001271428.2); c.2334_2335delinsCT, p.Arg779Trp (NM_001271429.2); c.2409_2410delinsCT, p.Arg804Trp (NM_001375820.1); c.2406_2407delinsCT, p.Arg803Trp (NM_001375821.1); short protein forms R779W, R801W, R803W, R800W, R804W.
Identifiers: ClinVar variation 2875873 (VCV002875873.3), dbSNP rs2536666482, ClinGen allele CA2739272340.

ClinVar aggregate classification (germline): Uncertain significance (1 of 4 stars; one submission).

Submission:

Labcorp Genetics (formerly Invitae), Labcorp
Classification: Uncertain significance. Last evaluated: 2023-12-01. Review status: criteria provided, single submitter. Criteria: Invitae Variant Classification Sherloc (09022015). Collection method: clinical testing. Allele origin: germline.
Comment: This sequence change replaces arginine, which is basic and polar, with tryptophan, which is neutral and slightly polar, at codon 801 of the EMC1 protein (p.Arg801Trp). Information on the frequency of this variant in the gnomAD database is not available, as this variant may be reported differently in the database. This variant has not been reported in the literature in individuals affected with EMC1-related conditions. Experimental studies and prediction algorithms are not available or were not evaluated, and the functional significance of this variant is currently unknown. In summary, the available evidence is currently insufficient to determine the role of this variant in disease. Therefore, it has been classified as a Variant of Uncertain Significance.